The following is an entry in ClinVar:

NM_153006.3(NAGS):c.839C>A (p.Ser280Ter)

Gene: NAGS (N-acetylglutamate synthase; plus strand). Cytogenetic location: 17q21.31.
Variant type: single nucleotide variant.
Coding change: c.839C>A on transcript NM_153006.3 (MANE Select); coding-DNA position 839, C replaced by A.
Protein change: p.Ser280Ter; replaces serine 280 with a stop codon.
Molecular consequence: nonsense.
Genome position (GRCh38, 1-based): chr17:44,006,161, C>A. VCF-style: chr17-44006161-C-A. GRCh37 (hg19) VCF-style: chr17-42083529-C-A.
Other names: short protein forms S280*.
Identifiers: ClinVar variation 4816907 (VCV004816907.1).
Genomic context (GRCh38, chr17:44,006,161, plus strand): 5'-CCATCGGGGAGACGGCCGCGCGCCGCTCCGTGCTTCTCGACTCCCTGGAGGTGACCGCGT[C>A]GCTGGCCAAGGCGCTGCGGCCCACCAAAATCATCTTCCTCAATAACACAGGCGGCCTGCG-3'

ClinVar aggregate classification (germline): Likely pathogenic (1 of 4 stars; one submission).

Conditions:
Hyperammonemia, type III (NAGSD). Also called: Hyperammonemia due to N-acetylglutamate synthase deficiency. Identifiers: Orphanet 927, MedGen C0268543, MONDO:0009377, OMIM 237310.

Submission:

Natera, Inc.
Classification: Likely pathogenic for Hyperammonemia type III. Last evaluated: 2024-03-19. Review status: criteria provided, single submitter. Criteria: Natera Variant Classification Schema (03/2026). Collection method: clinical testing. Allele origin: germline.
Comment: The c.839C>A variant in NAGS is a nonsense variant predicted to introduce a stop codon at amino acid 280. This variant is expected to result in nonsense mediated decay, truncation, or a dysfunctional protein product. This variant is rare in the general population with a frequency below the threshold expected for the associated phenotype(s). Given the available evidence, this variant is classified as Likely Pathogenic.